The following is an entry in ClinVar:

ClinVar aggregate classification (germline): Likely pathogenic (1 of 4 stars; one submission).

Conditions:
Inborn genetic diseases. Identifiers: MedGen C0950123, MeSH D030342.

Submission:

Ambry Genetics
Classification: Likely pathogenic for Inborn genetic diseases. Last evaluated: 2014-09-16. Review status: criteria provided, single submitter. Criteria: Ambry Variant Classification Scheme 2023. Collection method: clinical testing. Allele origin: germline.
Comment: The c.517+1G>A intronic variant results from a G to A substitution one nucleotides after coding exon 2 of the NLGN3 gene. This variant was not reported in population based cohorts in the following databases: Database of Single Nucleotide Polymorphisms (dbSNP), NHLBI Exome Sequencing Project (ESP), and 1000 Genomes Project. In the ESP, this variant was not observed in 6502 samples with coverage at this position. This nucleotide position is highly conserved in available vertebrate species. Using the BDGP and ESEfinder splice site prediction tools, this alteration is predicted to abolish the native donor splice site; however, direct evidence is unavailable. Alterations that disrupt the canonical splice donor site are typically deleterious in nature (ACMG Recommendations for Standards for Interpretation and Reporting of Sequence Variations. Revision 2007. Genet Med. 2008;10:294). As such, the c.517+1G>A variant is classified as likely pathogenic.

NM_181303.2(NLGN3):c.577+1G>A

Gene: NLGN3 (neuroligin 3; plus strand). Cytogenetic location: Xq13.1.
Variant type: single nucleotide variant.
Coding change: c.577+1G>A on transcript NM_181303.2 (MANE Select); the canonical splice donor site of the intron after coding-DNA position 577, G replaced by A.
Molecular consequence: splice donor variant. On other transcripts: intron variant (1).
Genome position (GRCh38, 1-based): chrX:71,153,537, G>A. VCF-style: chrX-71153537-G-A. GRCh37 (hg19) VCF-style: chrX-70373387-G-A.
Other names: c.517+1G>A (NM_018977.4); c.458-1677G>A (NM_001166660.2); c.166+1G>A (NM_001321276.2).
Identifiers: ClinVar variation 1745802 (VCV001745802.2), dbSNP rs2519746029, ClinGen allele CA413551378.
Genomic context (GRCh38, chrX:71,153,537, plus strand): 5'-GATCCGGCGCTAAGAAACAGGGCGAGGACTTAGCGGATAATGACGGGGATGAAGATGAAG[G>A]TATTTGGGGGCTGCAGGGCGCGGCGGCTGGTGCATGGCACAGAGCCCCTCCCCTTCTCGA-3'